The following is an entry in ClinVar:

ClinVar aggregate classification (germline): Likely benign. Review status: criteria provided, multiple submitters, no conflicts (2 of 4 stars). 4 submissions from 4 submitters: Likely benign (4). Last evaluated 2025-12-20.

Conditions:
Early-infantile DEE. Also called: Early infantile epileptic encephalopathy; Ohtahara syndrome; Early infantile epileptic encephalopathy with suppression bursts. Identifiers: Orphanet 1934, MedGen C0393706, MONDO:0800491.
Inborn genetic diseases. Identifiers: MedGen C0950123, MeSH D030342.

Allele frequency attached by ClinVar (database versions not stated): TOPMed 0.00001; ESP Exome Variant Server 0.00008.
gnomAD v4.1: 34 of 1,612,720 alleles (0.0021%); highest among the groups gnomAD compares: Admixed American, 0.0033%; no homozygotes.

Submissions (4):

Labcorp Genetics (formerly Invitae), Labcorp
Classification: Likely benign for Early-infantile DEE. Last evaluated: 2025-12-20. Review status: criteria provided, single submitter. Criteria: Invitae Variant Classification Sherloc (09022015). Collection method: clinical testing. Allele origin: germline.

CeGaT Center for Human Genetics Tuebingen
Classification: Likely benign. Last evaluated: 2023-08-01. Review status: criteria provided, single submitter. Criteria: CeGaT Center For Human Genetics Tuebingen Variant Classification Criteria Version 2. Collection method: clinical testing. Allele origin: germline. Affected: yes. Observed: 2 variant alleles.
Comment: SCN8A: BP4, BP7

Ambry Genetics
Classification: Likely benign for Inborn genetic diseases. Last evaluated: 2019-07-31. Review status: criteria provided, single submitter. Criteria: Ambry Variant Classification Scheme 2023. Collection method: clinical testing. Allele origin: germline.

GeneDx
Classification: Likely benign. Last evaluated: 2016-12-01. Review status: criteria provided, single submitter. Criteria: GeneDx Variant Classification (06012015). Collection method: clinical testing. Allele origin: germline. Affected: yes.
Comment: This variant is considered likely benign or benign based on one or more of the following criteria: it is a conservative change, it occurs at a poorly conserved position in the protein, it is predicted to be benign by multiple in silico algorithms, and/or has population frequency not consistent with disease.

NM_001330260.2(SCN8A):c.1717C>A (p.Arg573=)

Gene: SCN8A (sodium voltage-gated channel alpha subunit 8; plus strand). Cytogenetic location: 12q13.13.
Variant type: single nucleotide variant.
Coding change: c.1717C>A on transcript NM_001330260.2 (MANE Select); coding-DNA position 1717, C replaced by A.
Protein change: p.Arg573=; no amino-acid change (arginine 573 retained).
Molecular consequence: synonymous variant.
Genome position (GRCh38, 1-based): chr12:51,721,627, C>A. VCF-style: chr12-51721627-C-A. GRCh37 (hg19) VCF-style: chr12-52115411-C-A.
Other names: c.1717C>A, p.Arg573= (NM_001177984.3, NM_001369788.1, NM_014191.4).
Identifiers: ClinVar variation 391292 (VCV000391292.40), dbSNP rs370074236, ClinGen allele CA6571316.